The following is an entry in ClinVar:

ClinVar aggregate classification (germline): Uncertain significance (1 of 4 stars; one submission).

gnomAD v4.1: 7 of 1,613,082 alleles (0.00043%); highest among the groups gnomAD compares: South Asian, 0.0011%; no homozygotes.

Submission:

Labcorp Genetics (formerly Invitae), Labcorp
Classification: Uncertain significance. Last evaluated: 2022-03-14. Review status: criteria provided, single submitter. Criteria: Invitae Variant Classification Sherloc (09022015). Collection method: clinical testing. Allele origin: germline.
Comment: In summary, the available evidence is currently insufficient to determine the role of this variant in disease. Therefore, it has been classified as a Variant of Uncertain Significance. Algorithms developed to predict the effect of missense changes on protein structure and function (SIFT, PolyPhen-2, Align-GVGD) all suggest that this variant is likely to be disruptive. This variant has not been reported in the literature in individuals affected with FTO-related conditions. This variant is not present in population databases (gnomAD no frequency). This sequence change replaces histidine, which is basic and polar, with arginine, which is basic and polar, at codon 305 of the FTO protein (p.His305Arg).

NM_001080432.3(FTO):c.914A>G (p.His305Arg)

Gene: FTO (FTO alpha-ketoglutarate dependent dioxygenase; plus strand). Cytogenetic location: 16q12.2.
Variant type: single nucleotide variant.
Coding change: c.914A>G on transcript NM_001080432.3 (MANE Select); coding-DNA position 914, A replaced by G.
Protein change: p.His305Arg; replaces histidine 305 with arginine.
Molecular consequence: missense variant.
Genome position (GRCh38, 1-based): chr16:53,873,804, A>G. VCF-style: chr16-53873804-A-G. GRCh37 (hg19) VCF-style: chr16-53907716-A-G.
Other names: c.944A>G, p.His315Arg (NM_001363891.2, NM_001363898.2); c.914A>G, p.His305Arg (NM_001363894.2, NM_001363896.2, NM_001363900.2 and 2 more transcripts); c.836A>G, p.His279Arg (NM_001363897.2); c.800A>G, p.His267Arg (NM_001363899.2); c.770A>G, p.His257Arg (NM_001363901.2); c.401A>G, p.His134Arg (NM_001363905.2); short protein forms H315R, H134R, H257R, H267R, H279R, H305R.
Identifiers: ClinVar variation 2112235 (VCV002112235.4), dbSNP rs2545486511, ClinGen allele CA396120249.
Genomic context (GRCh38, chr16:53,873,804, plus strand): 5'-TAATAAATATGGTTTTATACATTTCTGGTGTTTTTCCTGTAGATGATCTCAATGCCACCC[A>G]CCAACACTGTGTTTTGGCCGGTTCACAACCTCGGTTTAGTTCCACCCACCGAGTGGCAGA-3'
Protein context (NP_001073901.1, residues 295-315): YFMLDDLNAT[His305Arg]QHCVLAGSQP